The following is an entry in ClinVar:

ClinVar aggregate classification (germline): Uncertain significance (1 of 4 stars; one submission).

Submission:

GeneDx
Classification: Uncertain significance. Last evaluated: 2023-05-11. Review status: criteria provided, single submitter. Criteria: GeneDx Variant Classification Process June 2021. Collection method: clinical testing. Allele origin: germline. Affected: yes.
Comment: Not observed at significant frequency in large population cohorts (gnomAD); In silico analysis supports a deleterious effect on splicing; Has not been previously published as pathogenic or benign to our knowledge

NM_001130438.3(SPTAN1):c.4587C>A (p.Val1529=)

Gene: SPTAN1 (spectrin alpha, non-erythrocytic 1; plus strand). Cytogenetic location: 9q34.11.
Variant type: single nucleotide variant.
Coding change: c.4587C>A on transcript NM_001130438.3 (MANE Select); coding-DNA position 4587, C replaced by A.
Protein change: p.Val1529=; no amino-acid change (valine 1529 retained).
Molecular consequence: synonymous variant.
Genome position (GRCh38, 1-based): chr9:128,608,969, C>A. VCF-style: chr9-128608969-C-A. GRCh37 (hg19) VCF-style: chr9-131371248-C-A.
Other names: c.4527C>A, p.Val1509= (NM_001195532.2, NM_001363765.2, NM_001375314.2); c.4587C>A, p.Val1529= (NM_001363759.2, NM_001375310.1, NM_001375311.2 and 2 more transcripts); c.4623C>A, p.Val1541= (NM_001375312.2, NM_001375318.1).
Identifiers: ClinVar variation 2662291 (VCV002662291.1), dbSNP rs2541775644, ClinGen allele CA467484940.